The following is an entry in ClinVar:

NM_000372.5(TYR):c.1366+4629A>G

Gene: TYR (tyrosinase; plus strand). Cytogenetic location: 11q14.3.
Variant type: single nucleotide variant.
Coding change: c.1366+4629A>G on transcript NM_000372.5 (MANE Select); 4629 bases into the intron after coding-DNA position 1366, A replaced by G.
Molecular consequence: intron variant.
Genome position (GRCh38, 1-based): chr11:89,289,583, A>G. VCF-style: chr11-89289583-A-G. GRCh37 (hg19) VCF-style: chr11-89022751-A-G.
Identifiers: ClinVar variation 4073698 (VCV004073698.1).
Genomic context (GRCh38, chr11:89,289,583, plus strand): 5'-GAACAACATTACTCTCGAAATGATTTGTTTACCTGCCAGGTGCTGAGGGTGAAAAGGTAA[A>G]TGAGACAGAGTGCCCCCCAACTCCCCGCCTACAGGTAGTGTATCTCAATGAATAAGTGAT-3'

ClinVar aggregate classification (germline): Likely pathogenic (1 of 4 stars; one submission).

Conditions:
Oculocutaneous albinism type 1. Also called: Albinism 1; ALBINISM I. Identifiers: Orphanet 352731, MedGen C0268494, MONDO:0018135. Disease mechanism: loss of function.

gnomAD v4.1: 1 of 151,994 alleles (0.00066%); highest among the groups gnomAD compares: Non-Finnish European, 0.0015%; no homozygotes.

Submission:

Department of Clinical Genetics, Copenhagen University Hospital, Rigshospitalet
Classification: Likely pathogenic for Oculocutaneous albinism type 1. Last evaluated: 2025-05-23. Review status: criteria provided, single submitter. Criteria: ACMG Guidelines, 2015. Collection method: clinical testing. Allele origin: germline.
Comment: The following ACMG criteria has been used: PS3, PM2_sup, PM3